The following is an entry in ClinVar:

ClinVar aggregate classification (germline): Uncertain significance (1 of 4 stars; one submission).

Conditions:
Hereditary spastic paraplegia 57. Also called: Spastic paraplegia 57, autosomal recessive. Identifiers: Orphanet 431329, MedGen C3714897, MONDO:0014295, OMIM 615658.
Hereditary motor and sensory neuropathy, Okinawa type (HMSNO). Also called: HEREDITARY MOTOR AND SENSORY NEUROPATHY, PROXIMAL TYPE. Identifiers: Orphanet 90117, MedGen C1858338, MONDO:0011468, OMIM 604484.

Allele frequency attached by ClinVar (database versions not stated): gnomAD exomes below 0.00001; gnomAD 0.00001.

Submission:

Labcorp Genetics (formerly Invitae), Labcorp
Classification: Uncertain significance for Hereditary motor and sensory neuropathy, Okinawa type; Hereditary spastic paraplegia 57. Last evaluated: 2023-08-17. Review status: criteria provided, single submitter. Criteria: Invitae Variant Classification Sherloc (09022015). Collection method: clinical testing. Allele origin: germline.
Comment: In summary, the available evidence is currently insufficient to determine the role of this variant in disease. Therefore, it has been classified as a Variant of Uncertain Significance. This sequence change replaces methionine, which is neutral and non-polar, with valine, which is neutral and non-polar, at codon 371 of the TFG protein (p.Met371Val). ClinVar contains an entry for this variant (Variation ID: 1380754). This variant has not been reported in the literature in individuals affected with TFG-related conditions. This variant is not present in population databases (gnomAD no frequency). Advanced modeling of protein sequence and biophysical properties (such as structural, functional, and spatial information, amino acid conservation, physicochemical variation, residue mobility, and thermodynamic stability) performed at Invitae indicates that this missense variant is not expected to disrupt TFG protein function.

NM_006070.6(TFG):c.1111A>G (p.Met371Val)

Gene: TFG (trafficking from ER to golgi regulator; plus strand). Cytogenetic location: 3q12.2.
Variant type: single nucleotide variant.
Coding change: c.1111A>G on transcript NM_006070.6 (MANE Select); coding-DNA position 1111, A replaced by G.
Protein change: p.Met371Val; replaces methionine 371 with valine.
Molecular consequence: missense variant.
Genome position (GRCh38, 1-based): chr3:100,748,439, A>G. VCF-style: chr3-100748439-A-G. GRCh37 (hg19) VCF-style: chr3-100467283-A-G.
Other names: c.1111A>G, p.Met371Val (NM_001007565.2, NM_001195478.2); c.1099A>G, p.Met367Val (NM_001195479.2); short protein forms M367V, M371V.
Identifiers: ClinVar variation 1380754 (VCV001380754.6), dbSNP rs2095155960, ClinGen allele CA353854492.